The following is an entry in ClinVar:

ClinVar aggregate classification (germline): Pathogenic (1 of 4 stars; one submission).

Conditions:
Hereditary sensory and autonomic neuropathy type 6. Also called: HSAN VI; Neuropathy, hereditary sensory and autonomic, type VI. Identifiers: Orphanet 314381, MedGen C3539003, MONDO:0013839, OMIM 614653.
Epidermolysis bullosa simplex 3, localized or generalized intermediate, with BP230 deficiency (EBS3). Also called: Epidermolysis bullosa simplex, autosomal recessive 2; Epidermolysis bullosa simplex due to BP230 deficiency. Identifiers: Orphanet 412181, MedGen C3809470, MONDO:0014180, OMIM 615425.

Submission:

Labcorp Genetics (formerly Invitae), Labcorp
Classification: Pathogenic for Epidermolysis bullosa simplex 3, localized or generalized intermediate, with BP230 deficiency; Hereditary sensory and autonomic neuropathy type 6. Last evaluated: 2023-10-18. Review status: criteria provided, single submitter. Criteria: Invitae Variant Classification Sherloc (09022015). Collection method: clinical testing. Allele origin: germline.
Comment: This sequence change creates a premature translational stop signal (p.Gln1054*) in the DST gene. It is expected to result in an absent or disrupted protein product. Loss-of-function variants in DST are known to be pathogenic (PMID: 22522446, 25059916, 30371979). This variant is not present in population databases (gnomAD no frequency). This variant has not been reported in the literature in individuals affected with DST-related conditions. For these reasons, this variant has been classified as Pathogenic.

Literature cited by the submitters: PubMed 22522446; PubMed 25059916; PubMed 30371979.

NM_001374736.1(DST):c.4771C>T (p.Gln1591Ter)

Gene: DST (dystonin; minus strand). Cytogenetic location: 6p12.1.
Variant type: single nucleotide variant.
Coding change: c.4771C>T on transcript NM_001374736.1 (MANE Select); coding-DNA position 4771, C replaced by T.
Protein change: p.Gln1591Ter; replaces glutamine 1591 with a stop codon.
Molecular consequence: nonsense.
Genome position (GRCh38, 1-based): chr6:56,625,216, G>A on the plus strand (C>T on the coding strand, the complement: DST is on the minus strand). VCF-style: chr6-56625216-G-A. GRCh37 (hg19) VCF-style: chr6-56490014-G-A.
Other names: c.4672C>T, p.Gln1558Ter (NM_001144769.5); c.4258C>T, p.Gln1420Ter (NM_001144770.2); c.4771C>T, p.Gln1591Ter (NM_001374722.1); c.4138C>T, p.Gln1380Ter (NM_001374729.1, NM_001374730.1, NM_001386100.1 and 1 more transcripts); c.4798C>T, p.Gln1600Ter (NM_001374734.1); c.3160C>T, p.Gln1054Ter (NM_001723.7, NM_015548.5); short protein forms Q1054*, Q1420*, Q1558*, Q1591*, Q1600*, Q1380*.
Identifiers: ClinVar variation 2953044 (VCV002953044.3), dbSNP rs2098722781, ClinGen allele CA364572798.